The following is an entry in ClinVar:

NM_018706.7(DHTKD1):c.698T>A (p.Leu233His)

Gene: DHTKD1 (dehydrogenase E1 and transketolase domain containing 1; plus strand). Cytogenetic location: 10p14.
Variant type: single nucleotide variant.
Coding change: c.698T>A on transcript NM_018706.7 (MANE Select); coding-DNA position 698, T replaced by A.
Protein change: p.Leu233His; replaces leucine 233 with histidine.
Molecular consequence: missense variant.
Genome position (GRCh38, 1-based): chr10:12,087,710, T>A. VCF-style: chr10-12087710-T-A. GRCh37 (hg19) VCF-style: chr10-12129709-T-A.
Other names: short protein forms L233H.
Identifiers: ClinVar variation 2055017 (VCV002055017.4), dbSNP rs1220540503, ClinGen allele CA376018307.

ClinVar aggregate classification (germline): Uncertain significance (1 of 4 stars; one submission).

Conditions:
2-aminoadipic 2-oxoadipic aciduria (AAKAD). Also called: Aminoadipic aciduria; ALPHA-AMINOADIPIC AND ALPHA-KETOADIPIC ACIDURIA. Identifiers: Orphanet 79154, MedGen C1859817, MONDO:0008774, OMIM 204750.

Allele frequency attached by ClinVar (database versions not stated): gnomAD 0.00001; TOPMed 0.00001; gnomAD exomes 0.00002.
gnomAD v4.1: 27 of 1,604,522 alleles (0.0017%); highest among the groups gnomAD compares: Non-Finnish European, 0.0022%; no homozygotes.

Submission:

Labcorp Genetics (formerly Invitae), Labcorp
Classification: Uncertain significance for 2-aminoadipic 2-oxoadipic aciduria. Last evaluated: 2025-04-18. Review status: criteria provided, single submitter. Criteria: Invitae Variant Classification Sherloc (09022015). Collection method: clinical testing. Allele origin: germline.
Comment: This sequence change replaces leucine, which is neutral and non-polar, with histidine, which is basic and polar, at codon 233 of the DHTKD1 protein (p.Leu233His). This variant is present in population databases (no rsID available, gnomAD 0.01%). This variant has not been reported in the literature in individuals affected with DHTKD1-related conditions. ClinVar contains an entry for this variant (Variation ID: 2055017). Invitae Evidence Modeling of protein sequence and biophysical properties (such as structural, functional, and spatial information, amino acid conservation, physicochemical variation, residue mobility, and thermodynamic stability) indicates that this missense variant is expected to disrupt DHTKD1 protein function with a positive predictive value of 80%. In summary, the available evidence is currently insufficient to determine the role of this variant in disease. Therefore, it has been classified as a Variant of Uncertain Significance.